The following is an entry in ClinVar:

NM_002599.5(PDE2A):c.447G>A (p.Pro149=)

Gene: PDE2A (phosphodiesterase 2A; minus strand). Cytogenetic location: 11q13.4.
Variant type: single nucleotide variant.
Coding change: c.447G>A on transcript NM_002599.5 (MANE Select); coding-DNA position 447, G replaced by A.
Protein change: p.Pro149=; no amino-acid change (proline 149 retained).
Molecular consequence: synonymous variant.
Genome position (GRCh38, 1-based): chr11:72,596,635, C>T on the plus strand (G>A on the coding strand, the complement: PDE2A is on the minus strand). VCF-style: chr11-72596635-C-T. GRCh37 (hg19) VCF-style: chr11-72307679-C-T.
Other names: c.426G>A, p.Pro142= (NM_001143839.4); c.420G>A, p.Pro140= (NM_001146209.3); c.384G>A, p.Pro128= (NM_001243784.2).
Identifiers: ClinVar variation 1653974 (VCV001653974.30), dbSNP rs956348156, ClinGen allele CA224431435.

ClinVar aggregate classification (germline): Likely benign. Review status: criteria provided, multiple submitters, no conflicts (2 of 4 stars). 2 submissions from 2 submitters: Likely benign (2). Last evaluated 2024-01-01.

Allele frequency attached by ClinVar (database versions not stated): TOPMed 0.00005; gnomAD 0.00006.
gnomAD v4.1: 20 of 1,512,384 alleles (0.0013%); highest among the groups gnomAD compares: African/African-American, 0.015%; no homozygotes.

Submissions (2):

CeGaT Center for Human Genetics Tuebingen
Classification: Likely benign. Last evaluated: 2024-01-01. Review status: criteria provided, single submitter. Criteria: CeGaT Center For Human Genetics Tuebingen Variant Classification Criteria Version 2. Collection method: clinical testing. Allele origin: germline. Affected: yes. Observed: 1 variant allele.
Comment: PDE2A: BP4, BP7

Labcorp Genetics (formerly Invitae), Labcorp
Classification: Likely benign. Last evaluated: 2020-11-20. Review status: criteria provided, single submitter. Criteria: Invitae Variant Classification Sherloc (09022015). Collection method: clinical testing. Allele origin: germline.